The following is an entry in ClinVar:

ClinVar aggregate classification (germline): Uncertain significance (1 of 4 stars; one submission).

Submission:

GeneDx
Classification: Uncertain significance. Last evaluated: 2023-02-15. Review status: criteria provided, single submitter. Criteria: GeneDx Variant Classification Process June 2021. Collection method: clinical testing. Allele origin: germline. Affected: yes.
Comment: Not observed at significant frequency in large population cohorts (gnomAD); In silico analysis supports that this missense variant has a deleterious effect on protein structure/function; Has not been previously published as pathogenic or benign to our knowledge

NM_006922.4(SCN3A):c.2321C>A (p.Thr774Asn)

Gene: SCN3A (sodium voltage-gated channel alpha subunit 3; minus strand). Cytogenetic location: 2q24.3.
Variant type: single nucleotide variant.
Coding change: c.2321C>A on transcript NM_006922.4 (MANE Select); coding-DNA position 2321, C replaced by A.
Protein change: p.Thr774Asn; replaces threonine 774 with asparagine.
Molecular consequence: missense variant.
Genome position (GRCh38, 1-based): chr2:165,137,949, G>T on the plus strand (C>A on the coding strand, the complement: SCN3A is on the minus strand). VCF-style: chr2-165137949-G-T. GRCh37 (hg19) VCF-style: chr2-165994459-G-T.
Other names: c.2174C>A, p.Thr725Asn (NM_001081676.2, NM_001081677.2); short protein forms T725N, T774N.
Identifiers: ClinVar variation 2580786 (VCV002580786.1), dbSNP rs2468302192, ClinGen allele CA349045093.
Genomic context (GRCh38, chr2:165,137,949, plus strand): 5'-ACAGTCAACACACTACTGAATTGCTCAGTCATGGGGTAGTGCTCCATGGCCATAAAGAGG[G>T]TATTTAAGACAATGCAAATAGTGATGGCAAGATCAACAAATGGATCCATAACAATTAAAT-3'
Protein context (NP_008853.3, residues 764-784): LAITICIVLN[Thr774Asn]LFMAMEHYPM